The following is an entry in ClinVar:

NM_133433.4(NIPBL):c.1942del (p.Thr648fs)

Gene: NIPBL (NIPBL cohesin loading factor; plus strand). Cytogenetic location: 5p13.2.
Variant type: Deletion.
Coding change: c.1942del on transcript NM_133433.4 (MANE Select); coding-DNA position 1942, one base deleted (A; older notation c.1942delA).
Protein change: p.Thr648fs; shifts the reading frame from threonine 648.
Molecular consequence: frameshift variant.
Genome position (GRCh38, 1-based): chr5:36,985,122, A deleted; the last of 3 consecutive A bases (chr5:36,985,120-36,985,122); deleting any one gives the same sequence. VCF-style (leftmost placement, unchanged base first): chr5-36985119-CA-C. GRCh37 (hg19) VCF-style: chr5-36985221-CA-C.
Other names: c.1942del, p.Thr648fs (NM_015384.5); short protein forms T648fs.
Identifiers: ClinVar variation 1075290 (VCV001075290.2), dbSNP rs2149644023, ClinGen allele CA2499217836.

ClinVar aggregate classification (germline): Pathogenic (1 of 4 stars; one submission).

Conditions:
Cornelia de Lange syndrome 1 (CDLS1). Also called: TYPUS DEGENERATIVUS AMSTELODAMENSIS; Brachmann de Lange syndrome; NIPBL-Related Cornelia de Lange Syndrome. Identifiers: Orphanet 199, MedGen C4551851, MONDO:0007387, OMIM 122470.

Submission:

Labcorp Genetics (formerly Invitae), Labcorp
Classification: Pathogenic for Cornelia de Lange syndrome 1. Last evaluated: 2020-02-18. Review status: criteria provided, single submitter. Criteria: Invitae Variant Classification Sherloc (09022015). Collection method: clinical testing. Allele origin: germline.
Comment: This sequence change creates a premature translational stop signal (p.Thr648Glnfs*21) in the NIPBL gene. It is expected to result in an absent or disrupted protein product. This variant is not present in population databases (ExAC no frequency). This variant has not been reported in the literature in individuals with NIPBL-related conditions. Loss-of-function variants in NIPBL are known to be pathogenic (PMID: 15318302, 19763162, 23505322, 29995837). For these reasons, this variant has been classified as Pathogenic.

Literature cited by the submitters: PubMed 15318302; PubMed 19763162; PubMed 23505322; PubMed 29995837.